The following is an entry in ClinVar:

NM_006118.4(HAX1):c.166del (p.His56fs)

Gene: HAX1 (HCLS1 associated protein X-1; plus strand). Cytogenetic location: 1q21.3.
Variant type: Deletion.
Coding change: c.166del on transcript NM_006118.4 (MANE Select); coding-DNA position 166, one base deleted (C; older notation c.166delC).
Protein change: p.His56fs; shifts the reading frame from histidine 56.
Molecular consequence: frameshift variant. On other transcripts: intron variant (1).
Genome position (GRCh38, 1-based): chr1:154,273,448, C deleted. VCF-style (leftmost placement, unchanged base first): chr1-154273447-GC-G. GRCh37 (hg19) VCF-style: chr1-154245923-GC-G.
Other names: c.54-32del (NM_001018837.2); short protein forms H56fs.
Identifiers: ClinVar variation 1410664 (VCV001410664.6), dbSNP rs2149139706, ClinGen allele CA2573131215.

ClinVar aggregate classification (germline): Pathogenic (1 of 4 stars; one submission).

Conditions:
Kostmann syndrome (SCN3). Also called: Autosomal recessive severe congenital neutropenia type 3; KOSTMANN DISEASE. Identifiers: Orphanet 99749, MedGen C5235141, MONDO:0012548, OMIM 610738.

Submission:

Labcorp Genetics (formerly Invitae), Labcorp
Classification: Pathogenic for Kostmann syndrome. Last evaluated: 2021-01-13. Review status: criteria provided, single submitter. Criteria: Invitae Variant Classification Sherloc (09022015). Collection method: clinical testing. Allele origin: germline.
Comment: For these reasons, this variant has been classified as Pathogenic. This variant has not been reported in the literature in individuals with HAX1-related conditions. This variant is not present in population databases (ExAC no frequency). This sequence change creates a premature translational stop signal (p.His56Thrfs*29) in the HAX1 gene. It is expected to result in an absent or disrupted protein product. Loss-of-function variants in HAX1 are known to be pathogenic (PMID: 17187068).

Literature cited by the submitters: PubMed 17187068.